The following is an entry in ClinVar:

ClinVar aggregate classification (germline): Likely benign (1 of 4 stars; one submission).

Allele frequency attached by ClinVar (database versions not stated): ExAC 0.00001; gnomAD exomes 0.00002; gnomAD 0.00003; TOPMed 0.00004.
gnomAD v4.1: 28 of 1,612,312 alleles (0.0017%); highest among the groups gnomAD compares: African/African-American, 0.0053%; no homozygotes.

Submission:

CeGaT Center for Human Genetics Tuebingen
Classification: Likely benign. Last evaluated: 2023-12-01. Review status: criteria provided, single submitter. Criteria: CeGaT Center For Human Genetics Tuebingen Variant Classification Criteria Version 2. Collection method: clinical testing. Allele origin: germline. Affected: yes. Observed: 1 variant allele.
Comment: SUZ12: BS2

NM_015355.4(SUZ12):c.1423A>G (p.Ile475Val)

Gene: SUZ12 (SUZ12 polycomb repressive complex 2 subunit; plus strand). Cytogenetic location: 17q11.2.
Variant type: single nucleotide variant.
Coding change: c.1423A>G on transcript NM_015355.4 (MANE Select); coding-DNA position 1423, A replaced by G.
Protein change: p.Ile475Val; replaces isoleucine 475 with valine.
Molecular consequence: missense variant.
Genome position (GRCh38, 1-based): chr17:31,993,994, A>G. VCF-style: chr17-31993994-A-G. GRCh37 (hg19) VCF-style: chr17-30321013-A-G.
Other names: c.1354A>G, p.Ile452Val (NM_001321207.2); short protein forms I452V, I475V.
Identifiers: ClinVar variation 3026623 (VCV003026623.22), dbSNP rs759020689, ClinGen allele CA8489759.